The following is an entry in ClinVar:

ClinVar aggregate classification (germline): Uncertain significance (1 of 4 stars; one submission).

Conditions:
Familial thoracic aortic aneurysm and aortic dissection (TAAD). Also called: Thoracic aortic aneurysms and dissections. Identifiers: Orphanet 91387, MedGen C4707243, MONDO:0019625.

Submission:

Labcorp Genetics (formerly Invitae), Labcorp
Classification: Uncertain significance for Familial thoracic aortic aneurysm and aortic dissection. Last evaluated: 2023-10-04. Review status: criteria provided, single submitter. Criteria: Invitae Variant Classification Sherloc (09022015). Collection method: clinical testing. Allele origin: germline.
Comment: This sequence change replaces histidine, which is basic and polar, with tyrosine, which is neutral and polar, at codon 39 of the TGFBR1 protein (p.His39Tyr). This variant is not present in population databases (gnomAD no frequency). This variant has not been reported in the literature in individuals affected with TGFBR1-related conditions. Advanced modeling of protein sequence and biophysical properties (such as structural, functional, and spatial information, amino acid conservation, physicochemical variation, residue mobility, and thermodynamic stability) performed at Invitae indicates that this missense variant is not expected to disrupt TGFBR1 protein function. In summary, the available evidence is currently insufficient to determine the role of this variant in disease. Therefore, it has been classified as a Variant of Uncertain Significance.

NM_004612.4(TGFBR1):c.115C>T (p.His39Tyr)

Gene: TGFBR1 (transforming growth factor beta receptor 1; plus strand). Cytogenetic location: 9q22.33.
Variant type: single nucleotide variant.
Coding change: c.115C>T on transcript NM_004612.4 (MANE Select); coding-DNA position 115, C replaced by T.
Protein change: p.His39Tyr; replaces histidine 39 with tyrosine.
Molecular consequence: missense variant. On other transcripts: 5 prime UTR variant (15), non-coding transcript variant (4), intron variant (3).
Genome position (GRCh38, 1-based): chr9:99,128,872, C>T. VCF-style: chr9-99128872-C-T. GRCh37 (hg19) VCF-style: chr9-101891154-C-T.
Other names: c.115C>T, p.His39Tyr (NM_001130916.3, NM_001306210.2, NM_001407416.1 and 2 more transcripts); c.-93C>T (NM_001407418.1, NM_001407419.1, NM_001407420.1 and 12 more transcripts); c.98-3637C>T (NM_001407436.1); c.98-8987C>T (NM_001407438.1); c.98-13664C>T (NM_001407437.1); short protein forms H39Y.
Identifiers: ClinVar variation 2886858 (VCV002886858.3), dbSNP rs2490105005, ClinGen allele CA374224986.